The following is an entry in ClinVar:

NM_000138.5(FBN1):c.1602T>C (p.Cys534=)

Gene: FBN1 (fibrillin 1; minus strand). Cytogenetic location: 15q21.1.
Variant type: single nucleotide variant.
Coding change: c.1602T>C on transcript NM_000138.5 (MANE Select); coding-DNA position 1602, T replaced by C.
Protein change: p.Cys534=; no amino-acid change (cysteine 534 retained).
Molecular consequence: synonymous variant.
Genome position (GRCh38, 1-based): chr15:48,510,156, A>G on the plus strand (T>C on the coding strand, the complement: FBN1 is on the minus strand). VCF-style: chr15-48510156-A-G. GRCh37 (hg19) VCF-style: chr15-48802353-A-G.
Identifiers: ClinVar variation 316384 (VCV000316384.32), dbSNP rs377386372, ClinGen allele CA045274.

ClinVar aggregate classification (germline): Likely benign. Review status: criteria provided, multiple submitters, no conflicts (2 of 4 stars). 7 submissions from 7 submitters: Likely benign (7). Last evaluated 2025-12-09.

Conditions:
Marfan syndrome (MFS). Also called: Marfan syndrome type 1; Marfan's syndrome; MARFAN SYNDROME, TYPE I; Marfan syndrome, classic; FBN1-Related Marfan Syndrome. Identifiers: Orphanet 284963, Orphanet 558, MedGen C0024796, MONDO:0007947, OMIM 154700.
Familial thoracic aortic aneurysm and aortic dissection (TAAD). Also called: Thoracic aortic aneurysms and dissections. Identifiers: Orphanet 91387, MedGen C4707243, MONDO:0019625.

Allele frequency attached by ClinVar (database versions not stated): TOPMed 0.00004; ExAC 0.00006; gnomAD 0.00005 and 0.00004; gnomAD exomes 0.00005 and 0.00007; ESP Exome Variant Server 0.00015.
gnomAD v4.1: 113 of 1,613,350 alleles (0.007%); highest among the groups gnomAD compares: Non-Finnish European, 0.0092%; no homozygotes.

Submissions (7):

Labcorp Genetics (formerly Invitae), Labcorp
Classification: Likely benign for Marfan syndrome; Familial thoracic aortic aneurysm and aortic dissection. Last evaluated: 2025-12-09. Review status: criteria provided, single submitter. Criteria: Invitae Variant Classification Sherloc (09022015). Collection method: clinical testing. Allele origin: germline.

ARUP Laboratories, Molecular Genetics and Genomics, ARUP Laboratories
Classification: Likely benign. Last evaluated: 2025-04-21. Review status: criteria provided, single submitter. Criteria: ARUP Molecular Germline Variant Investigation Process 2024. Collection method: clinical testing. Allele origin: germline.

Blueprint Genetics
Classification: Likely benign. Last evaluated: 2024-10-31. Review status: criteria provided, single submitter. Criteria: ACMG Guidelines, 2015. Collection method: clinical testing. Allele origin: germline.

All of Us Research Program, National Institutes of Health
Classification: Likely benign for Marfan syndrome. Last evaluated: 2024-01-11. Review status: criteria provided, single submitter. Criteria: ACMG Guidelines, 2015. Collection method: clinical testing. Allele origin: germline. Inheritance: Autosomal dominant inheritance. Observed: 20 variant alleles, 20 heterozygotes.
Comment: This study involves interpretation of variants in research participants for the purpose of population health screening. Participant phenotype was not available at the time of variant classification. Additional details can be found in publication PMID: 35346344, PMCID: PMC8962531

Ambry Genetics
Classification: Likely benign for Familial thoracic aortic aneurysm and aortic dissection. Last evaluated: 2023-03-24. Review status: criteria provided, single submitter. Criteria: Ambry Variant Classification Scheme 2023. Collection method: clinical testing. Allele origin: germline.

Color Diagnostics, LLC DBA Color Health
Classification: Likely benign for Familial thoracic aortic aneurysm and aortic dissection. Last evaluated: 2018-12-31. Review status: criteria provided, single submitter. Criteria: ACMG Guidelines, 2015. Collection method: clinical testing. Allele origin: germline.

GeneDx
Classification: Likely benign. Last evaluated: 2018-11-27. Review status: criteria provided, single submitter. Criteria: GeneDx Variant Classification Process June 2021. Collection method: clinical testing. Allele origin: germline. Affected: yes.